The following is an entry in ClinVar:

ClinVar aggregate classification (germline): Uncertain significance (1 of 4 stars; one submission).

Conditions:
Megalencephaly-polymicrogyria-postaxial polydactyly-hydrocephalus syndrome. Also called: MEG-PMG-MEGACC SYNDROME; MPPH Syndrome. Identifiers: Orphanet 83473, MedGen C1863924, MONDO:0019375.

Submission:

Labcorp Genetics (formerly Invitae), Labcorp
Classification: Uncertain significance for Megalencephaly-polymicrogyria-postaxial polydactyly-hydrocephalus syndrome. Last evaluated: 2022-11-22. Review status: criteria provided, single submitter. Criteria: Invitae Variant Classification Sherloc (09022015). Collection method: clinical testing. Allele origin: germline.
Comment: Algorithms developed to predict the effect of missense changes on protein structure and function are either unavailable or do not agree on the potential impact of this missense change (SIFT: "Not Available"; PolyPhen-2: "Benign"; Align-GVGD: "Not Available"). ClinVar contains an entry for this variant (Variation ID: 1423293). This variant has not been reported in the literature in individuals affected with PIK3R2-related conditions. Information on the frequency of this variant in the gnomAD database is not available, as this variant may be reported differently in the database. This sequence change replaces serine, which is neutral and polar, with glutamic acid, which is acidic and polar, at codon 191 of the PIK3R2 protein (p.Ser191Glu). In summary, the available evidence is currently insufficient to determine the role of this variant in disease. Therefore, it has been classified as a Variant of Uncertain Significance.

NM_005027.4(PIK3R2):c.571_572inv (p.Ser191Glu)

Genes: PIK3R2 (phosphoinositide-3-kinase regulatory subunit 2; plus strand), LOC130063979 (ATAC-STARR-seq lymphoblastoid silent region 10375; plus strand). Cytogenetic location: 19p13.11.
Variant type: Inversion.
Coding change: c.571_572inv on transcript NM_005027.4 (MANE Select).
Protein change: p.Ser191Glu; replaces serine 191 with glutamic acid.
Molecular consequence: missense variant. On other transcripts: non-coding transcript variant (2).
Genome position: GRCh38 VCF-style: chr19-18161158-TC-GA. GRCh37 (hg19) VCF-style: chr19-18271968-TC-GA.
Other names: short protein forms S191E.
Identifiers: ClinVar variation 1423293 (VCV001423293.6), ClinGen allele CA2573156195.
Genomic context (GRCh38, chr19:18,161,158, plus strand): 5'-GCTGACGGCATTAAGAGCTTCCTGCTGGCACTGCCCGCGCCGCTCGTGACCCCCGAGGCC[TC>GA]GGCCGAGGCGCGCCGGGCCCTGCGGGGTGAGCCTGGCGGGTAGCCCGGGGGAAGGAGGGG-3'
Protein context (NP_005018.2, residues 181-201): LPAPLVTPEA[Ser191Glu]AEARRALREA